The following is an entry in ClinVar:

ClinVar aggregate classification (germline): Uncertain significance (0 of 4 stars; one submission).

Conditions:
EYA1-related disorder. Also called: EYA1-related condition.

gnomAD v4.1: 7 of 1,614,090 alleles (0.00043%); highest among the groups gnomAD compares: Admixed American, 0.0017%; no homozygotes.

Submission:

PreventionGenetics, part of Exact Sciences
Classification: Uncertain significance for EYA1-related condition. Last evaluated: 2024-09-07. Review status: no assertion criteria provided. Collection method: clinical testing. Allele origin: germline.
Comment: The EYA1 c.412T>A variant is predicted to result in the amino acid substitution p.Ser138Thr. To our knowledge, this variant has not been reported in the literature or in a large population database, indicating this variant is rare. At this time, the clinical significance of this variant is uncertain due to the absence of conclusive functional and genetic evidence.

NM_000503.6(EYA1):c.412T>A (p.Ser138Thr)

Gene: EYA1 (EYA transcriptional coactivator and phosphatase 1; minus strand). Cytogenetic location: 8q13.3.
Variant type: single nucleotide variant.
Coding change: c.412T>A on transcript NM_000503.6 (MANE Select); coding-DNA position 412, T replaced by A.
Protein change: p.Ser138Thr; replaces serine 138 with threonine.
Molecular consequence: missense variant.
Genome position (GRCh38, 1-based): chr8:71,321,740, A>T on the plus strand (T>A on the coding strand, the complement: EYA1 is on the minus strand). VCF-style: chr8-71321740-A-T. GRCh37 (hg19) VCF-style: chr8-72233975-A-T.
Other names: c.409T>A, p.Ser137Thr (NM_001288574.2); c.61T>A, p.Ser21Thr (NM_001288575.2); c.499T>A, p.Ser167Thr (NM_001370333.1, NM_172059.5); c.412T>A, p.Ser138Thr (NM_001370334.1, NM_001370335.1, NM_172058.4); c.496T>A, p.Ser166Thr (NM_001370336.1); c.313T>A, p.Ser105Thr (NM_001411797.1, NM_172060.4); short protein forms S105T, S137T, S138T, S166T, S167T, S21T.
Identifiers: ClinVar variation 3346071 (VCV003346071.1).